The following is an entry in ClinVar:

NM_017849.4(TMEM127):c.578C>T (p.Ala193Val)

Gene: TMEM127 (transmembrane protein 127; minus strand). Cytogenetic location: 2q11.2.
Variant type: single nucleotide variant.
Coding change: c.578C>T on transcript NM_017849.4 (MANE Select); coding-DNA position 578, C replaced by T.
Protein change: p.Ala193Val; replaces alanine 193 with valine.
Molecular consequence: missense variant.
Genome position (GRCh38, 1-based): chr2:96,253,947, G>A on the plus strand (C>T on the coding strand, the complement: TMEM127 is on the minus strand). VCF-style: chr2-96253947-G-A. GRCh37 (hg19) VCF-style: chr2-96919685-G-A.
Other names: c.578C>T, p.Ala193Val (NM_001193304.3); c.326C>T, p.Ala109Val (NM_001407282.1, NM_001407283.1); short protein forms A109V, A193V.
Identifiers: ClinVar variation 3457606 (VCV003457606.1).
Genomic context (GRCh38, chr2:96,253,947, plus strand): 5'-TCTGAGAGCAGCTCCAGCGCCTGCTCCTCTTCCTCTGTGGGGTAGTGGCGCAGGAGGTTG[G>A]CTGCCGTGGCCAGGATTGAGGCTCCACCAGCTCCTGCCACCAGGTAGAAGCTAACGGCGA-3'
Protein context (NP_060319.1, residues 183-203): AGGASILATA[Ala193Val]NLLRHYPTEE

ClinVar aggregate classification (germline): Uncertain significance (1 of 4 stars; one submission).

Conditions:
Hereditary cancer-predisposing syndrome. Also called: Tumor predisposition; Neoplastic Syndromes, Hereditary; Hereditary neoplastic syndrome; Hereditary Cancer Syndrome. Identifiers: Orphanet 140162, MedGen C0027672, MeSH D009386, MONDO:0015356.

Submission:

Ambry Genetics
Classification: Uncertain significance for Hereditary cancer-predisposing syndrome. Last evaluated: 2024-09-30. Review status: criteria provided, single submitter. Criteria: Ambry Variant Classification Scheme 2023. Collection method: clinical testing. Allele origin: germline.
Comment: The p.A193V variant (also known as c.578C>T), located in coding exon 3 of the TMEM127 gene, results from a C to T substitution at nucleotide position 578. The alanine at codon 193 is replaced by valine, an amino acid with similar properties. This amino acid position is conserved. In addition, the in silico prediction for this alteration is inconclusive. Based on the available evidence, the clinical significance of this variant remains unclear.